The following is an entry in ClinVar:

ClinVar aggregate classification (germline): Uncertain significance (1 of 4 stars; one submission).

Submission:

Labcorp Genetics (formerly Invitae), Labcorp
Classification: Uncertain significance. Last evaluated: 2024-10-15. Review status: criteria provided, single submitter. Criteria: Invitae Variant Classification Sherloc (09022015). Collection method: clinical testing. Allele origin: germline.
Comment: This sequence change replaces glycine, which is neutral and non-polar, with alanine, which is neutral and non-polar, at codon 196 of the MSMO1 protein (p.Gly196Ala). This variant is not present in population databases (gnomAD no frequency). This variant has not been reported in the literature in individuals affected with MSMO1-related conditions. ClinVar contains an entry for this variant (Variation ID: 2006698). Invitae Evidence Modeling of protein sequence and biophysical properties (such as structural, functional, and spatial information, amino acid conservation, physicochemical variation, residue mobility, and thermodynamic stability) indicates that this missense variant is not expected to disrupt MSMO1 protein function with a negative predictive value of 80%. In summary, the available evidence is currently insufficient to determine the role of this variant in disease. Therefore, it has been classified as a Variant of Uncertain Significance.

NM_006745.5(MSMO1):c.587G>C (p.Gly196Ala)

Gene: MSMO1 (methylsterol monooxygenase 1; plus strand). Cytogenetic location: 4q32.3.
Variant type: single nucleotide variant.
Coding change: c.587G>C on transcript NM_006745.5 (MANE Select); coding-DNA position 587, G replaced by C.
Protein change: p.Gly196Ala; replaces glycine 196 with alanine.
Molecular consequence: missense variant.
Genome position (GRCh38, 1-based): chr4:165,340,276, G>C. VCF-style: chr4-165340276-G-C. GRCh37 (hg19) VCF-style: chr4-166261428-G-C.
Other names: c.194G>C, p.Gly65Ala (NM_001017369.3); short protein forms G196A, G65A.
Identifiers: ClinVar variation 2006698 (VCV002006698.4), dbSNP rs2477921371, ClinGen allele CA358687478.